The following is an entry in ClinVar:

NM_002354.3(EPCAM):c.523C>T (p.Gln175Ter)

Gene: EPCAM (epithelial cell adhesion molecule; plus strand). Cytogenetic location: 2p21.
Variant type: single nucleotide variant.
Coding change: c.523C>T on transcript NM_002354.3 (MANE Select); coding-DNA position 523, C replaced by T.
Protein change: p.Gln175Ter; replaces glutamine 175 with a stop codon.
Molecular consequence: nonsense.
Genome position (GRCh38, 1-based): chr2:47,377,045, C>T. VCF-style: chr2-47377045-C-T. GRCh37 (hg19) VCF-style: chr2-47604184-C-T.
Other names: short protein forms Q175*.
Identifiers: ClinVar variation 239132 (VCV000239132.9), dbSNP rs878854491, ClinGen allele CA10581981.

ClinVar aggregate classification (germline): Pathogenic (1 of 4 stars; one submission).

Allele frequency attached by ClinVar (database versions not stated): gnomAD 0.00001.
gnomAD v4.1: 1 of 1,610,248 alleles (0.000062%); highest among the groups gnomAD compares: African/African-American, 0.0013%; no homozygotes.

Submission:

Labcorp Genetics (formerly Invitae), Labcorp
Classification: Pathogenic. Last evaluated: 2016-01-23. Review status: criteria provided, single submitter. Criteria: Invitae Variant Classification Sherloc (09022015). Collection method: clinical testing. Allele origin: germline.
Comment: For these reasons, this variant has been classified as Pathogenic. While this particular variant has not been reported in the literature, truncating variants in EPCAM are known to be pathogenic for congenital tufting enteropathy (PMID: 24142340). This sequence change creates a premature translational stop signal at codon 175 (p.Gln175*) of the EPCAM gene. It is expected to result in an absent or disrupted protein product.

Literature cited by the submitters: PubMed 24142340.